The following is an entry in ClinVar:

ClinVar aggregate classification (germline): Benign/Likely benign. Review status: criteria provided, multiple submitters, no conflicts (2 of 4 stars). 3 submissions from 3 submitters: Benign (2); Likely benign (1). Last evaluated 2025-03-01.

Allele frequency attached by ClinVar (database versions not stated): gnomAD exomes 0.00083; ExAC 0.00108; 1000 Genomes Project 30x 0.00344; 1000 Genomes Project 0.00359; gnomAD 0.00362 and 0.00399; TOPMed 0.00397; ESP Exome Variant Server 0.00438.
gnomAD v4.1: 1,120 of 1,613,424 alleles (0.069%); highest among the groups gnomAD compares: African/African-American, 1.4%; 11 homozygotes.

Submissions (3):

CeGaT Center for Human Genetics Tuebingen
Classification: Likely benign. Last evaluated: 2025-03-01. Review status: criteria provided, single submitter. Criteria: CeGaT Center For Human Genetics Tuebingen Variant Classification Criteria Version 2. Collection method: clinical testing. Allele origin: germline. Affected: yes. Observed: 1 variant allele.
Comment: SLC9A9: BS1

Labcorp Genetics (formerly Invitae), Labcorp
Classification: Benign. Last evaluated: 2019-01-03. Review status: criteria provided, single submitter. Criteria: Invitae Variant Classification Sherloc (09022015). Collection method: clinical testing. Allele origin: germline.

Breakthrough Genomics
Classification: Benign. Review status: criteria provided, single submitter. Criteria: ACMG Guidelines, 2015. Collection method: not provided. Allele origin: germline. Inheritance: Unknown mechanism. Affected: yes.

NM_173653.4(SLC9A9):c.707T>C (p.Leu236Ser)

Gene: SLC9A9 (solute carrier family 9 member A9; minus strand). Cytogenetic location: 3q24.
Variant type: single nucleotide variant.
Coding change: c.707T>C on transcript NM_173653.4 (MANE Select); coding-DNA position 707, T replaced by C.
Protein change: p.Leu236Ser; replaces leucine 236 with serine.
Molecular consequence: missense variant.
Genome position (GRCh38, 1-based): chr3:143,652,303, A>G on the plus strand (T>C on the coding strand, the complement: SLC9A9 is on the minus strand). VCF-style: chr3-143652303-A-G. GRCh37 (hg19) VCF-style: chr3-143371145-A-G.
Other names: short protein forms L236S.
Identifiers: ClinVar variation 720346 (VCV000720346.11), dbSNP rs113649536, ClinGen allele CA2654093.